The following is an entry in ClinVar:

NM_004035.7(ACOX1):c.586A>T (p.Lys196Ter)

Gene: ACOX1 (acyl-CoA oxidase 1; minus strand). Cytogenetic location: 17q25.1.
Variant type: single nucleotide variant.
Coding change: c.586A>T on transcript NM_004035.7 (MANE Select); coding-DNA position 586, A replaced by T.
Protein change: p.Lys196Ter; replaces lysine 196 with a stop codon.
Molecular consequence: nonsense.
Genome position (GRCh38, 1-based): chr17:75,955,900, T>A on the plus strand (A>T on the coding strand, the complement: ACOX1 is on the minus strand). VCF-style: chr17-75955900-T-A. GRCh37 (hg19) VCF-style: chr17-73951981-T-A.
Other names: c.472A>T, p.Lys158Ter (NM_001185039.2); c.586A>T, p.Lys196Ter (NM_007292.6); short protein forms K196*, K158*.
Identifiers: ClinVar variation 3641558 (VCV003641558.2).

ClinVar aggregate classification (germline): Pathogenic (1 of 4 stars; one submission).

Conditions:
Acyl-CoA oxidase deficiency. Also called: STRAIGHT-CHAIN ACYL-CoA OXIDASE DEFICIENCY; Pseudoneonatal adrenoleukodystrophy; Peroxisomal acyl-CoA oxidase deficiency. Identifiers: Orphanet 2971, MedGen C1849678, MONDO:0009919, OMIM 264470. Disease mechanism: loss of function.

Submission:

Labcorp Genetics (formerly Invitae), Labcorp
Classification: Pathogenic for Acyl-CoA oxidase deficiency. Last evaluated: 2024-02-17. Review status: criteria provided, single submitter. Criteria: Invitae Variant Classification Sherloc (09022015). Collection method: clinical testing. Allele origin: germline.
Comment: This sequence change creates a premature translational stop signal (p.Lys196*) in the ACOX1 gene. It is expected to result in an absent or disrupted protein product. Loss-of-function variants in ACOX1 are known to be pathogenic (PMID: 8040306, 17458872). This variant is not present in population databases (gnomAD no frequency). This variant has not been reported in the literature in individuals affected with ACOX1-related conditions. Algorithms developed to predict the effect of sequence changes on RNA splicing suggest that this variant may disrupt the consensus splice site. For these reasons, this variant has been classified as Pathogenic.

Literature cited by the submitters: PubMed 8040306; PubMed 17458872.